The following is an entry in ClinVar:

NM_006231.4(POLE):c.285+17G>T

Gene: POLE (DNA polymerase epsilon, catalytic subunit; minus strand). Cytogenetic location: 12q24.33.
Variant type: single nucleotide variant.
Coding change: c.285+17G>T on transcript NM_006231.4 (MANE Select); 17 bases into the intron after coding-DNA position 285, G replaced by T.
Molecular consequence: intron variant.
Genome position (GRCh38, 1-based): chr12:132,680,590, C>A on the plus strand (G>T on the coding strand, the complement: POLE is on the minus strand). VCF-style: chr12-132680590-C-A. GRCh37 (hg19) VCF-style: chr12-133257176-C-A.
Identifiers: ClinVar variation 515570 (VCV000515570.5), dbSNP rs5744736, ClinGen allele CA658798002.

ClinVar aggregate classification (germline): Likely benign. Review status: criteria provided, multiple submitters, no conflicts (2 of 4 stars). 2 submissions from 2 submitters: Likely benign (2). Last evaluated 2022-05-03.

Submissions (2):

Labcorp Genetics (formerly Invitae), Labcorp
Classification: Likely benign. Last evaluated: 2022-05-03. Review status: criteria provided, single submitter. Criteria: Invitae Variant Classification Sherloc (09022015). Collection method: clinical testing. Allele origin: germline.

GeneDx
Classification: Likely benign. Last evaluated: 2018-02-14. Review status: criteria provided, single submitter. Criteria: GeneDx Variant Classification (06012015). Collection method: clinical testing. Allele origin: germline. Affected: yes.
Comment: This variant is considered likely benign or benign based on one or more of the following criteria: it is a conservative change, it occurs at a poorly conserved position in the protein, it is predicted to be benign by multiple in silico algorithms, and/or has population frequency not consistent with disease.